The following is an entry in ClinVar:

ClinVar aggregate classification (germline): Uncertain significance. Review status: criteria provided, multiple submitters, no conflicts (2 of 4 stars). 2 submissions from 2 submitters: Uncertain significance (2). Last evaluated 2025-04-07.

Allele frequency attached by ClinVar (database versions not stated): TOPMed 0.00001; ExAC 0.00002; gnomAD 0.00002; gnomAD exomes 0.00002; 1000 Genomes Project 30x 0.00016; 1000 Genomes Project 0.00020.

Submissions (2):

Labcorp Genetics (formerly Invitae), Labcorp
Classification: Uncertain significance. Last evaluated: 2025-04-07. Review status: criteria provided, single submitter. Criteria: Invitae Variant Classification Sherloc (09022015). Collection method: clinical testing. Allele origin: germline.
Comment: This sequence change replaces serine, which is neutral and polar, with leucine, which is neutral and non-polar, at codon 877 of the RNF31 protein (p.Ser877Leu). This variant is present in population databases (rs543452129, gnomAD 0.01%). This variant has not been reported in the literature in individuals affected with RNF31-related conditions. ClinVar contains an entry for this variant (Variation ID: 2183580). An algorithm developed to predict the effect of missense changes on protein structure and function (PolyPhen-2) suggests that this variant is likely to be disruptive. In summary, the available evidence is currently insufficient to determine the role of this variant in disease. Therefore, it has been classified as a Variant of Uncertain Significance.

Blueprint Genetics
Classification: Uncertain significance. Last evaluated: 2021-07-05. Review status: criteria provided, single submitter. Criteria: ACMG Guidelines, 2015. Collection method: clinical testing. Allele origin: germline.

NM_017999.5(RNF31):c.2630C>T (p.Ser877Leu)

Gene: RNF31 (ring finger protein 31; plus strand). Cytogenetic location: 14q12.
Variant type: single nucleotide variant.
Coding change: c.2630C>T on transcript NM_017999.5 (MANE Select); coding-DNA position 2630, C replaced by T.
Protein change: p.Ser877Leu; replaces serine 877 with leucine.
Molecular consequence: missense variant.
Genome position (GRCh38, 1-based): chr14:24,157,541, C>T. VCF-style: chr14-24157541-C-T. GRCh37 (hg19) VCF-style: chr14-24626750-C-T.
Other names: c.2177C>T, p.Ser726Leu (NM_001310332.2); short protein forms S877L, S726L.
Identifiers: ClinVar variation 2183580 (VCV002183580.5), dbSNP rs543452129, ClinGen allele CA7126127.